The following is an entry in ClinVar:

NM_000051.4(ATM):c.6465G>A (p.Val2155=)

Genes: C11orf65 (chromosome 11 open reading frame 65; minus strand), ATM (ATM serine/threonine kinase; plus strand). Cytogenetic location: 11q22.3.
Variant type: single nucleotide variant.
Coding change: c.6465G>A on transcript NM_000051.4 (MANE Select); coding-DNA position 6465, G replaced by A.
Protein change: p.Val2155=; no amino-acid change (valine 2155 retained).
Molecular consequence: synonymous variant. On other transcripts: intron variant (2).
Genome position (GRCh38, 1-based): chr11:108,321,313, G>A. VCF-style: chr11-108321313-G-A. GRCh37 (hg19) VCF-style: chr11-108192040-G-A.
Other names: c.6465G>A, p.Val2155= (NM_001351834.2); c.641-12242C>T (NM_001330368.2); c.*39-12242C>T (NM_001351110.2).
Identifiers: ClinVar variation 184230 (VCV000184230.55), dbSNP rs140423883, ClinGen allele CA188290.

ClinVar aggregate classification (germline): Conflicting classifications of pathogenicity. Review status: criteria provided, conflicting classifications (1 of 4 stars). 12 submissions from 12 submitters: Uncertain significance (2); Benign (1); Likely benign (9). Last evaluated 2026-04-07.

Conditions:
Hereditary cancer-predisposing syndrome. Also called: Hereditary Cancer Syndrome; Tumor predisposition; Neoplastic Syndromes, Hereditary; Hereditary neoplastic syndrome. Identifiers: Orphanet 140162, MedGen C0027672, MeSH D009386, MONDO:0015356.
Familial cancer of breast. Also called: hereditary breast carcinoma; BREAST CANCER, FAMILIAL; Hereditary breast cancer. Identifiers: Orphanet 227535, MedGen C0346153, MONDO:0016419, OMIM 114480. Disease mechanism: loss of function.
Ataxia-telangiectasia syndrome (AT). Also called: ATAXIA-TELANGIECTASIA, COMPLEMENTATION GROUP A; ATAXIA-TELANGIECTASIA, FRESNO VARIANT; Ataxia-telangiectasia; Ataxia-telangiectasia, complementation group E; Cerebello-oculocutaneous telangiectasia; Immunodeficiency with ataxia telangiectasia. Identifiers: Orphanet 100, MedGen C0004135, MONDO:0008840, OMIM 208900.

Allele frequency attached by ClinVar (database versions not stated): TOPMed 0.00002; gnomAD exomes 0.00005 and 0.00006; ESP Exome Variant Server 0.00008; 1000 Genomes Project 0.00020; ExAC 0.00004; 1000 Genomes Project 30x 0.00016; gnomAD 0.00003.
gnomAD v4.1: 94 of 1,614,072 alleles (0.0058%); highest among the groups gnomAD compares: East Asian, 0.0089%; no homozygotes.

Submissions (12):

Institute for Biomarker Research, Medical Diagnostic Laboratories, L.L.C.
Classification: Likely benign for Hereditary cancer-predisposing syndrome. Last evaluated: 2026-04-07. Review status: criteria provided, single submitter. Criteria: ACMG Guidelines, 2015. Collection method: clinical testing. Allele origin: germline.
Comment: The synonymous variant NM_000051.4(ATM):c.6465G>A (p.Val2155=) has not been reported previously as a pathogenic variant, to our knowledge (Accession: VCV000184230.50). The variant is observed in one or more well-documented healthy adults. The p.Val2155= variant is not predicted to disrupt the existing acceptor splice site 13bp upstream by any splice site algorithm. The p.Val2155= variant results in a substitution of a base that is not predicted conserved by GERP++ and PhyloP. For these reasons, this variant has been classified as Likely Benign.

Labcorp Genetics (formerly Invitae), Labcorp
Classification: Likely benign for Ataxia-telangiectasia syndrome. Last evaluated: 2026-01-07. Review status: criteria provided, single submitter. Criteria: Invitae Variant Classification Sherloc (09022015). Collection method: clinical testing. Allele origin: germline.

Myriad Genetics, Inc.
Classification: Benign for Familial cancer of breast. Last evaluated: 2024-06-06. Review status: criteria provided, single submitter. Criteria: Myriad Autosomal Dominant, Autosomal Recessive and X-Linked Classification Criteria (2023). Collection method: clinical testing. Allele origin: unknown.
Comment: This variant is considered benign. This variant is a silent/synonymous amino acid change and it is not expected to impact splicing.

CeGaT Center for Human Genetics Tuebingen
Classification: Likely benign. Last evaluated: 2023-09-01. Review status: criteria provided, single submitter. Criteria: CeGaT Center For Human Genetics Tuebingen Variant Classification Criteria Version 2. Collection method: clinical testing. Allele origin: germline. Affected: yes. Observed: 2 variant alleles.
Comment: ATM: BP4, BP7

Sema4
Classification: Likely benign for Hereditary cancer-predisposing syndrome. Last evaluated: 2022-03-18. Review status: criteria provided, single submitter. Criteria: Sema4 Curation Guidelines. Collection method: curation. Allele origin: germline.

Women's Health and Genetics/Laboratory Corporation of America, LabCorp
Classification: Likely benign. Last evaluated: 2022-03-12. Review status: criteria provided, single submitter. Criteria: LabCorp Variant Classification Summary - May 2015. Collection method: clinical testing. Allele origin: germline.

Illumina Laboratory Services, Illumina
Classification: Uncertain significance for Ataxia-telangiectasia syndrome. Last evaluated: 2018-01-12. Review status: criteria provided, single submitter. Criteria: ICSL Variant Classification Criteria 13 December 2019. Collection method: clinical testing. Allele origin: germline.

GeneDx
Classification: Likely benign. Last evaluated: 2017-12-18. Review status: criteria provided, single submitter. Criteria: GeneDx Variant Classification (06012015). Collection method: clinical testing. Allele origin: germline. Affected: yes.
Comment: This variant is considered likely benign or benign based on one or more of the following criteria: it is a conservative change, it occurs at a poorly conserved position in the protein, it is predicted to be benign by multiple in silico algorithms, and/or has population frequency not consistent with disease.

PreventionGenetics, part of Exact Sciences
Classification: Likely benign. Last evaluated: 2017-08-15. Review status: criteria provided, single submitter. Criteria: ACMG Guidelines, 2015. Collection method: clinical testing. Allele origin: germline.

Color Diagnostics, LLC DBA Color Health
Classification: Likely benign for Hereditary cancer-predisposing syndrome. Last evaluated: 2017-01-03. Review status: criteria provided, single submitter. Criteria: ACMG Guidelines, 2015. Collection method: clinical testing. Allele origin: germline.

Eurofins Ntd Llc (ga)
Classification: Uncertain significance. Last evaluated: 2016-11-03. Review status: criteria provided, single submitter. Criteria: EGL Classification Definitions 2015. Collection method: clinical testing. Allele origin: germline. Observed: 1 variant allele, 1 heterozygote.

Ambry Genetics
Classification: Likely benign for Hereditary cancer-predisposing syndrome. Last evaluated: 2015-03-19. Review status: criteria provided, single submitter. Criteria: Ambry Variant Classification Scheme 2023. Collection method: clinical testing. Allele origin: germline.

Literature cited by the submitters: PubMed 30287823 (cited by Sema4).